The following is an entry in ClinVar:

ClinVar aggregate classification (germline): Uncertain significance. Review status: criteria provided, multiple submitters, no conflicts (2 of 4 stars). 2 submissions from 2 submitters: Uncertain significance (2). Last evaluated 2025-12-12.

Conditions:
Hereditary cancer-predisposing syndrome. Also called: Tumor predisposition; Hereditary Cancer Syndrome; Neoplastic Syndromes, Hereditary; Hereditary neoplastic syndrome. Identifiers: Orphanet 140162, MedGen C0027672, MeSH D009386, MONDO:0015356.
Tuberous sclerosis 2 (TSC2). Identifiers: Orphanet 805, MedGen C1860707, MONDO:0013199, OMIM 613254.

gnomAD v4.1: 1 of 1,614,112 alleles (0.000062%); highest among the groups gnomAD compares: Non-Finnish European, 0.000085%; no homozygotes.

Submissions (2):

Ambry Genetics
Classification: Uncertain significance for Hereditary cancer-predisposing syndrome. Last evaluated: 2025-12-12. Review status: criteria provided, single submitter. Criteria: Ambry Variant Classification Scheme 2023. Collection method: clinical testing. Allele origin: germline.
Comment: The p.Q35R variant (also known as c.104A>G), located in coding exon 1 of the TSC2 gene, results from an A to G substitution at nucleotide position 104. The glutamine at codon 35 is replaced by arginine, an amino acid with highly similar properties. This amino acid position is not well conserved in available vertebrate species. In addition, the in silico prediction for this alteration is inconclusive. Based on the available evidence, the clinical significance of this variant remains unclear.

Labcorp Genetics (formerly Invitae), Labcorp
Classification: Uncertain significance for Tuberous sclerosis 2. Last evaluated: 2025-04-27. Review status: criteria provided, single submitter. Criteria: Invitae Variant Classification Sherloc (09022015). Collection method: clinical testing. Allele origin: germline.
Comment: This sequence change replaces glutamine, which is neutral and polar, with arginine, which is basic and polar, at codon 35 of the TSC2 protein (p.Gln35Arg). This variant is not present in population databases (gnomAD no frequency). This variant has not been reported in the literature in individuals affected with TSC2-related conditions. Invitae Evidence Modeling of protein sequence and biophysical properties (such as structural, functional, and spatial information, amino acid conservation, physicochemical variation, residue mobility, and thermodynamic stability) indicates that this missense variant is not expected to disrupt TSC2 protein function with a negative predictive value of 95%. In summary, the available evidence is currently insufficient to determine the role of this variant in disease. Therefore, it has been classified as a Variant of Uncertain Significance.

NM_000548.5(TSC2):c.104A>G (p.Gln35Arg)

Gene: TSC2 (TSC complex subunit 2; plus strand). Cytogenetic location: 16p13.3.
Variant type: single nucleotide variant.
Coding change: c.104A>G on transcript NM_000548.5 (MANE Select); coding-DNA position 104, A replaced by G.
Protein change: p.Gln35Arg; replaces glutamine 35 with arginine.
Molecular consequence: missense variant. On other transcripts: 5 prime UTR variant (19), non-coding transcript variant (5), intron variant (6).
Genome position (GRCh38, 1-based): chr16:2,048,719, A>G. VCF-style: chr16-2048719-A-G. GRCh37 (hg19) VCF-style: chr16-2098720-A-G.
Other names: c.104A>G, p.Gln35Arg (NM_001406663.1, NM_001406664.1, NM_001406665.1 and 13 more transcripts); c.-713A>G (NM_001406680.1, NM_001406683.1, NM_001406687.1); c.-342A>G (NM_001406681.1); c.-123A>G (NM_001318831.2, NM_001406682.1, NM_001406684.1 and 2 more transcripts); c.137A>G, p.Gln46Arg (NM_001318832.2); c.-1328A>G (NM_001406689.1, NM_001406690.1, NM_001406691.1 and 2 more transcripts); c.-1634A>G (NM_001406693.1); c.-1209A>G (NM_001406694.1, NM_001406695.1); and 4 more; short protein forms Q35R, Q46R.
Identifiers: ClinVar variation 4557663 (VCV004557663.2).